The following is an entry in ClinVar:

NM_021927.3(GUF1):c.1205T>C (p.Leu402Pro)

Gene: GUF1 (GTP binding elongation factor GUF1; plus strand). Cytogenetic location: 4p12.
Variant type: single nucleotide variant.
Coding change: c.1205T>C on transcript NM_021927.3 (MANE Select); coding-DNA position 1205, T replaced by C.
Protein change: p.Leu402Pro; replaces leucine 402 with proline.
Molecular consequence: missense variant.
Genome position (GRCh38, 1-based): chr4:44,689,845, T>C. VCF-style: chr4-44689845-T-C. GRCh37 (hg19) VCF-style: chr4-44691862-T-C.
Other names: c.233T>C, p.Leu78Pro (NM_001345867.2, NM_001345869.2); c.1205T>C, p.Leu402Pro (NM_001345868.2); short protein forms L402P, L78P.
Identifiers: ClinVar variation 1963674 (VCV001963674.7), dbSNP rs1226186112, ClinGen allele CA356763274.

ClinVar aggregate classification (germline): Uncertain significance. Review status: criteria provided, multiple submitters, no conflicts (2 of 4 stars). 2 submissions from 2 submitters: Uncertain significance (2). Last evaluated 2026-03-12.

Allele frequency attached by ClinVar (database versions not stated): gnomAD exomes below 0.00001.
gnomAD v4.1: 2 of 1,598,678 alleles (0.00013%); highest among the groups gnomAD compares: Admixed American, 0.0017%; no homozygotes.

Submissions (2):

Dasa
Classification: Uncertain significance. Last evaluated: 2026-03-12. Review status: criteria provided, single submitter. Criteria: DASA Assertion Criteria. Collection method: clinical testing. Allele origin: germline.
Comment: NM_021927.3(GUF1):c.1205T>C (p.Leu402Pro) is a missense variant that results in the substitution of leucine with proline. This variant has been observed in affected individuals with GUF1-related disorders. Also, this variant is rare in population databases. Computational prediction algorithms are consistent with a deleterious effect. The currently available literature and clinical evidence are not sufficient to establish a definitive association between this variant and the reported condition. Therefore, this variant is classified as a variant of uncertain significance.

Labcorp Genetics (formerly Invitae), Labcorp
Classification: Uncertain significance. Last evaluated: 2024-04-29. Review status: criteria provided, single submitter. Criteria: Invitae Variant Classification Sherloc (09022015). Collection method: clinical testing. Allele origin: germline.
Comment: This sequence change replaces leucine, which is neutral and non-polar, with proline, which is neutral and non-polar, at codon 402 of the GUF1 protein (p.Leu402Pro). This variant is present in population databases (no rsID available, gnomAD 0.003%). This variant has not been reported in the literature in individuals affected with GUF1-related conditions. ClinVar contains an entry for this variant (Variation ID: 1963674). An algorithm developed to predict the effect of missense changes on protein structure and function (PolyPhen-2) suggests that this variant is likely to be disruptive. In summary, the available evidence is currently insufficient to determine the role of this variant in disease. Therefore, it has been classified as a Variant of Uncertain Significance.